The following is an entry in ClinVar:

ClinVar aggregate classification (germline): Likely benign. Review status: criteria provided, multiple submitters, no conflicts (2 of 4 stars). 2 submissions from 2 submitters: Likely benign (2). Last evaluated 2024-05-19.

Allele frequency attached by ClinVar (database versions not stated): gnomAD exomes below 0.00001 and 0.00002; ExAC 0.00003; gnomAD 0.00006 and 0.00007; TOPMed 0.00009; ESP Exome Variant Server 0.00015.
gnomAD v4.1: 18 of 1,614,084 alleles (0.0011%); highest among the groups gnomAD compares: African/African-American, 0.021%; no homozygotes.

Submissions (2):

Labcorp Genetics (formerly Invitae), Labcorp
Classification: Likely benign. Last evaluated: 2024-05-19. Review status: criteria provided, single submitter. Criteria: Invitae Variant Classification Sherloc (09022015). Collection method: clinical testing. Allele origin: germline.

GeneDx
Classification: Likely benign. Last evaluated: 2018-03-13. Review status: criteria provided, single submitter. Criteria: GeneDx Variant Classification (06012015). Collection method: clinical testing. Allele origin: germline. Affected: yes.
Comment: This variant is considered likely benign or benign based on one or more of the following criteria: it is a conservative change, it occurs at a poorly conserved position in the protein, it is predicted to be benign by multiple in silico algorithms, and/or has population frequency not consistent with disease.

NM_001291303.3(FAT4):c.11358A>G (p.Glu3786=)

Gene: FAT4 (FAT atypical cadherin 4; plus strand). Cytogenetic location: 4q28.1.
Variant type: single nucleotide variant.
Coding change: c.11358A>G on transcript NM_001291303.3 (MANE Select); coding-DNA position 11358, A replaced by G.
Protein change: p.Glu3786=; no amino-acid change (glutamic acid 3786 retained).
Molecular consequence: synonymous variant.
Genome position (GRCh38, 1-based): chr4:125,452,368, A>G. VCF-style: chr4-125452368-A-G. GRCh37 (hg19) VCF-style: chr4-126373523-A-G.
Other names: c.11358A>G, p.Glu3786= (NM_001291285.3); c.11352A>G, p.Glu3784= (NM_024582.6).
Identifiers: ClinVar variation 516052 (VCV000516052.4), dbSNP rs369625076, ClinGen allele CA3073837.
Genomic context (GRCh38, chr4:125,452,368, plus strand): 5'-AGCTGTGAAGCGAAATCATAATCAGTATGTGAATCCCAGTGGCGTAGCCACCTTCTTTGA[A>G]AGCATCAAAGAGATCCTTCTCCGGCAGAGTGGAGTAAAGGTGGAATCTGTGGATCATGAC-3'
Protein context (NP_001278232.1, residues 3776-3796): VNPSGVATFF[Glu3786=]SIKEILLRQS